The following is an entry in ClinVar:

ClinVar aggregate classification (germline): Uncertain significance (1 of 4 stars; one submission).

Conditions:
Familial thoracic aortic aneurysm and aortic dissection (TAAD). Also called: Thoracic aortic aneurysms and dissections. Identifiers: Orphanet 91387, MedGen C4707243, MONDO:0019625.

Submission:

Ambry Genetics
Classification: Uncertain significance for Familial thoracic aortic aneurysm and aortic dissection. Last evaluated: 2025-07-24. Review status: criteria provided, single submitter. Criteria: Ambry Variant Classification Scheme 2023. Collection method: clinical testing. Allele origin: germline.
Comment: The p.F249S variant (also known as c.746T>C), located in coding exon 5 of the NOTCH1 gene, results from a T to C substitution at nucleotide position 746. The phenylalanine at codon 249 is replaced by serine, an amino acid with highly dissimilar properties. This amino acid position is conserved. In addition, this alteration is predicted to be deleterious by in silico analysis. Based on the available evidence, the clinical significance of this variant remains unclear.

NM_017617.5(NOTCH1):c.746T>C (p.Phe249Ser)

Gene: NOTCH1 (notch receptor 1; minus strand). Cytogenetic location: 9q34.3.
Variant type: single nucleotide variant.
Coding change: c.746T>C on transcript NM_017617.5 (MANE Select); coding-DNA position 746, T replaced by C.
Protein change: p.Phe249Ser; replaces phenylalanine 249 with serine.
Molecular consequence: missense variant.
Genome position (GRCh38, 1-based): chr9:136,519,562, A>G on the plus strand (T>C on the coding strand, the complement: NOTCH1 is on the minus strand). VCF-style: chr9-136519562-A-G. GRCh37 (hg19) VCF-style: chr9-139414014-A-G.
Other names: short protein forms F249S.
Identifiers: ClinVar variation 4121656 (VCV004121656.1).